The following is an entry in ClinVar:

NM_015030.2(FRYL):c.3020A>T (p.Glu1007Val)

Gene: FRYL (FRY like transcription coactivator; minus strand). Cytogenetic location: 4p11.
Variant type: single nucleotide variant.
Coding change: c.3020A>T on transcript NM_015030.2 (MANE Select); coding-DNA position 3020, A replaced by T.
Protein change: p.Glu1007Val; replaces glutamic acid 1007 with valine.
Molecular consequence: missense variant.
Genome position (GRCh38, 1-based): chr4:48,567,397, T>A on the plus strand (A>T on the coding strand, the complement: FRYL is on the minus strand). VCF-style: chr4-48567397-T-A. GRCh37 (hg19) VCF-style: chr4-48569414-T-A.
Other names: short protein forms E1007V.
Identifiers: ClinVar variation 4528053 (VCV004528053.1).
Genomic context (GRCh38, chr4:48,567,397, plus strand): 5'-TCCAGGAGTTGTCTAGTTAAATCTACATATTCCAATAAAGTGTTGTTGAGAAAATGTGTT[T>A]CATTATCAAGGCCACCACTTGCACTGAAAATATTGAAGAAAACAAAAGATGAAGTAAATG-3'
Protein context (NP_055845.1, residues 997-1017): SHSASGGLDN[Glu1007Val]THFLNNTLLE

ClinVar aggregate classification (germline): Uncertain significance (1 of 4 stars; one submission).

Submission:

GeneDx
Classification: Uncertain significance. Last evaluated: 2025-05-06. Review status: criteria provided, single submitter. Criteria: GeneDx Variant Classification Process June 2021. Collection method: clinical testing. Allele origin: germline. Affected: yes.
Comment: Not observed at significant frequency in large population cohorts (gnomAD); In silico analysis supports that this missense variant has a deleterious effect on protein structure/function; Has not been previously published as pathogenic or benign to our knowledge